The following is an entry in ClinVar:

NM_001943.5(DSG2):c.216+1G>T

Gene: DSG2 (desmoglein 2; plus strand). Cytogenetic location: 18q12.1.
Variant type: single nucleotide variant.
Coding change: c.216+1G>T on transcript NM_001943.5 (MANE Select); the canonical splice donor site of the intron after coding-DNA position 216, G replaced by T.
Molecular consequence: splice donor variant.
Genome position (GRCh38, 1-based): chr18:31,519,938, G>T. VCF-style: chr18-31519938-G-T. GRCh37 (hg19) VCF-style: chr18-29099901-G-T.
Identifiers: ClinVar variation 862906 (VCV000862906.10), dbSNP rs1316380114, ClinGen allele CA402131080.

ClinVar aggregate classification (germline): Conflicting classifications of pathogenicity. Review status: criteria provided, conflicting classifications (1 of 4 stars). 3 submissions from 3 submitters: Likely pathogenic (2); Uncertain significance (1). Last evaluated 2024-05-17.

Conditions:
Cardiovascular phenotype. Identifiers: MedGen CN230736.
Arrhythmogenic right ventricular cardiomyopathy (ARVD). Also called: Cardiomyopathy, ARVC; Arrhythmogenic right ventricular dysplasia; Arrhythmogenic cardiomyopathy; Arrhythmogenic Right Ventricular Cardiomyopathy (ARVC). Identifiers: Orphanet 247, MedGen C0349788, MeSH D019571, MONDO:0016587. Disease mechanism: loss of function. Inheritance: Various modes of inheritance.
Arrhythmogenic right ventricular dysplasia 10. Also called: Arrhythmogenic Right Ventricular Dysplasia/Cardiomyopathy10; ARRHYTHMOGENIC RIGHT VENTRICULAR DYSPLASIA, FAMILIAL, 10; Arrhythmogenic right ventricular dysplasia/cardiomyopathy, type 10. Identifiers: MedGen C1857777, MONDO:0012434, OMIM 610193.

Submissions (3):

All of Us Research Program, National Institutes of Health
Classification: Uncertain significance for Arrhythmogenic right ventricular cardiomyopathy. Last evaluated: 2024-05-17. Review status: criteria provided, single submitter. Criteria: ACMG Guidelines, 2015. Collection method: clinical testing. Allele origin: germline. Inheritance: Autosomal dominant inheritance. Observed: 1 variant allele, 1 heterozygote.
Comment: This study involves interpretation of variants in research participants for the purpose of population health screening. Participant phenotype was not available at the time of variant classification. Additional details can be found in publication PMID: 35346344, PMCID: PMC8962531

Ambry Genetics
Classification: Likely pathogenic for Cardiovascular phenotype. Last evaluated: 2023-11-30. Review status: criteria provided, single submitter. Criteria: Ambry Variant Classification Scheme 2023. Collection method: clinical testing. Allele origin: germline.
Comment: The c.216+1G>T intronic variant results from a G to T substitution one nucleotide after coding exon 3 of the DSG2 gene. Alterations that disrupt the canonical splice site are expected to result in aberrant splicing. In silico splice site analysis predicts that this alteration will weaken the native splice donor site and will result in the creation or strengthening of a novel splice donor site. The resulting transcript is predicted to be in-frame and is not expected to trigger nonsense-mediated mRNAdecay; however, direct evidence is unavailable. The exact functional effect of the altered amino acid sequence is unknown; however, the impacted region is critical for protein function (Ambry internal data). This variant is considered to be rare based on population cohorts in the Genome Aggregation Database (gnomAD). This nucleotide position is highly conserved in available vertebrate species. Based on the majority of available evidence to date, this variant is likely to be pathogenic.

Labcorp Genetics (formerly Invitae), Labcorp
Classification: Likely pathogenic for Arrhythmogenic right ventricular dysplasia 10. Last evaluated: 2022-08-09. Review status: criteria provided, single submitter. Criteria: Invitae Variant Classification Sherloc (09022015). Collection method: clinical testing. Allele origin: germline.
Comment: Algorithms developed to predict the effect of sequence changes on RNA splicing suggest that this variant may disrupt the consensus splice site. In summary, the currently available evidence indicates that the variant is pathogenic, but additional data are needed to prove that conclusively. Therefore, this variant has been classified as Likely Pathogenic. ClinVar contains an entry for this variant (Variation ID: 862906). This variant has not been reported in the literature in individuals affected with DSG2-related conditions. This variant is not present in population databases (gnomAD no frequency). This sequence change affects a donor splice site in intron 3 of the DSG2 gene. It is expected to disrupt RNA splicing. Variants that disrupt the donor or acceptor splice site typically lead to a loss of protein function (PMID: 16199547), and loss-of-function variants in DSG2 are known to be pathogenic (PMID: 17105751, 31386562).

Literature cited by the submitters: PubMed 16199547 (cited by Labcorp Genetics (formerly Invitae), Labcorp); PubMed 17105751 (cited by Labcorp Genetics (formerly Invitae), Labcorp); PubMed 31386562 (cited by Labcorp Genetics (formerly Invitae), Labcorp).